The following is an entry in ClinVar:

ClinVar aggregate classification (germline): Uncertain significance (1 of 4 stars; one submission).

Conditions:
Hereditary cancer-predisposing syndrome. Also called: Tumor predisposition; Hereditary Cancer Syndrome; Hereditary neoplastic syndrome; Neoplastic Syndromes, Hereditary. Identifiers: Orphanet 140162, MedGen C0027672, MeSH D009386, MONDO:0015356.

Submission:

Ambry Genetics
Classification: Uncertain significance for Hereditary cancer-predisposing syndrome. Last evaluated: 2023-08-25. Review status: criteria provided, single submitter. Criteria: Ambry Variant Classification Scheme 2023. Collection method: clinical testing. Allele origin: germline.
Comment: The p.V517A variant (also known as c.1550T>C), located in coding exon 11 of the FLCN gene, results from a T to C substitution at nucleotide position 1550. The valine at codon 517 is replaced by alanine, an amino acid with similar properties. This amino acid position is conserved. In addition, this alteration is predicted to be deleterious by in silico analysis. Since supporting evidence is limited at this time, the clinical significance of this alteration remains unclear.

NM_144997.7(FLCN):c.1550T>C (p.Val517Ala)

Gene: FLCN (folliculin; minus strand). Cytogenetic location: 17p11.2.
Variant type: single nucleotide variant.
Coding change: c.1550T>C on transcript NM_144997.7 (MANE Select); coding-DNA position 1550, T replaced by C.
Protein change: p.Val517Ala; replaces valine 517 with alanine.
Molecular consequence: missense variant.
Genome position (GRCh38, 1-based): chr17:17,213,845, A>G on the plus strand (T>C on the coding strand, the complement: FLCN is on the minus strand). VCF-style: chr17-17213845-A-G. GRCh37 (hg19) VCF-style: chr17-17117159-A-G.
Other names: c.1604T>C, p.Val535Ala (NM_001353229.2); c.1550T>C, p.Val517Ala (NM_001353230.2, NM_001353231.2); short protein forms V517A, V535A.
Identifiers: ClinVar variation 2599602 (VCV002599602.2), dbSNP rs2144812917, ClinGen allele CA398530512.